The following is an entry in ClinVar:

NM_001848.3(COL6A1):c.2595G>A (p.Thr865=)

Gene: COL6A1 (collagen type VI alpha 1 chain; plus strand). Cytogenetic location: 21q22.3.
Variant type: single nucleotide variant.
Coding change: c.2595G>A on transcript NM_001848.3 (MANE Select); coding-DNA position 2595, G replaced by A.
Protein change: p.Thr865=; no amino-acid change (threonine 865 retained).
Molecular consequence: synonymous variant.
Genome position (GRCh38, 1-based): chr21:46,003,521, G>A. VCF-style: chr21-46003521-G-A. GRCh37 (hg19) VCF-style: chr21-47423435-G-A.
Identifiers: ClinVar variation 283014 (VCV000283014.24), dbSNP rs367832752, ClinGen allele CA10070970.

ClinVar aggregate classification (germline): Conflicting classifications of pathogenicity. Review status: criteria provided, conflicting classifications (1 of 4 stars). 4 submissions from 4 submitters: Uncertain significance (1); Benign (1); Likely benign (2). Last evaluated 2025-12-28.

Conditions:
Bethlem myopathy 1A. Also called: Bethlem myopathy 1; Bethlem Muscular Dystrophy; MYOPATHY, BENIGN CONGENITAL, WITH CONTRACTURES. Identifiers: Orphanet 610, MedGen CN029274, MONDO:0024530, OMIM 158810.
Collagen 6-related myopathy. Identifiers: MedGen CN117976, MONDO:0100225.

Allele frequency attached by ClinVar (database versions not stated): TOPMed 0.00009; ESP Exome Variant Server 0.00023.
gnomAD v4.1: 220 of 1,611,656 alleles (0.014%); highest among the groups gnomAD compares: Admixed American, 0.022%; no homozygotes.

Submissions (4):

Labcorp Genetics (formerly Invitae), Labcorp
Classification: Likely benign for Bethlem myopathy 1A. Last evaluated: 2025-12-28. Review status: criteria provided, single submitter. Criteria: Invitae Variant Classification Sherloc (09022015). Collection method: clinical testing. Allele origin: germline.

Blueprint Genetics
Classification: Likely benign. Last evaluated: 2024-01-09. Review status: criteria provided, single submitter. Criteria: ACMG Guidelines, 2015. Collection method: clinical testing. Allele origin: germline.

Illumina Laboratory Services, Illumina
Classification: Benign for Collagen VI-related myopathy. Last evaluated: 2018-01-13. Review status: criteria provided, single submitter. Criteria: ICSL Variant Classification Criteria 13 December 2019. Collection method: clinical testing. Allele origin: germline.
Comment: This variant was observed in the ICSL laboratory as part of a predisposition screen in an ostensibly healthy population. It had not been previously curated by ICSL or reported in the Human Gene Mutation Database (HGMD: prior to June 1st, 2018), and was therefore a candidate for classification through an automated scoring system. Utilizing variant allele frequency, disease prevalence and penetrance estimates, and inheritance mode, an automated score was calculated to assess if this variant is too frequent to cause the disease. Based on the score and internal cut-off values, a variant classified as benign is not then subjected to further curation. The score for this variant resulted in a classification of benign for this disease.

Eurofins Ntd Llc (ga)
Classification: Uncertain significance. Last evaluated: 2015-09-03. Review status: criteria provided, single submitter. Criteria: EGL Classification Definitions 2015. Collection method: clinical testing. Allele origin: germline. Observed: 2 variant alleles, 2 heterozygotes.